The following is an entry in ClinVar:

NM_003235.5(TG):c.6646A>G (p.Ile2216Val)

Gene: TG (thyroglobulin; plus strand). Cytogenetic location: 8q24.22.
Variant type: single nucleotide variant.
Coding change: c.6646A>G on transcript NM_003235.5 (MANE Select); coding-DNA position 6646, A replaced by G.
Protein change: p.Ile2216Val; replaces isoleucine 2216 with valine.
Molecular consequence: missense variant.
Genome position (GRCh38, 1-based): chr8:133,017,861, A>G. VCF-style: chr8-133017861-A-G. GRCh37 (hg19) VCF-style: chr8-134030106-A-G.
Other names: short protein forms I2216V.
Identifiers: ClinVar variation 361986 (VCV000361986.18), dbSNP rs138690529, ClinGen allele CA4884995.

ClinVar aggregate classification (germline): Conflicting classifications of pathogenicity. Review status: criteria provided, conflicting classifications (1 of 4 stars). 6 submissions from 6 submitters: Uncertain significance (1); Benign (1); Likely benign (1). 3 of the submissions do not count toward it. Last evaluated 2026-01-28.

Conditions:
TG-related disorder. Also called: TG-related disorders; TG-related condition.
Iodotyrosyl coupling defect (TDH3). Also called: HYPOTHYROIDISM, CONGENITAL, DUE TO DYSHORMONOGENESIS, 3; THYROID HORMONOGENESIS, GENETIC DEFECT IN, 3. Identifiers: Orphanet 95716, MedGen C0342194, MONDO:0010135, OMIM 274700.

Allele frequency attached by ClinVar (database versions not stated): 1000 Genomes Project 30x 0.00016; 1000 Genomes Project 0.00020; gnomAD 0.00144 and 0.00179; gnomAD exomes 0.00173 and 0.00246; ExAC 0.00192; TOPMed 0.00200; ESP Exome Variant Server 0.00231.
gnomAD v4.1: 3,809 of 1,614,152 alleles (0.24%); highest among the groups gnomAD compares: Non-Finnish European, 0.28%; 11 homozygotes.

Submissions (6):

Labcorp Genetics (formerly Invitae), Labcorp
Classification: Benign. Last evaluated: 2026-01-28. Review status: criteria provided, single submitter. Criteria: Invitae Variant Classification Sherloc (09022015). Collection method: clinical testing. Allele origin: germline.

Blueprint Genetics
Classification: Likely benign. Last evaluated: 2024-11-27. Review status: criteria provided, single submitter. Criteria: ACMG Guidelines, 2015. Collection method: clinical testing. Allele origin: germline.

Illumina Laboratory Services, Illumina
Classification: Uncertain significance for Iodotyrosyl coupling defect. Last evaluated: 2018-01-13. Review status: criteria provided, single submitter. Criteria: ICSL Variant Classification Criteria 13 December 2019. Collection method: clinical testing. Allele origin: germline.

PreventionGenetics, part of Exact Sciences
Classification: Likely benign for TG-related condition. Last evaluated: 2019-09-20. Review status: no assertion criteria provided. Collection method: clinical testing. Allele origin: germline. Not counted in ClinVar's aggregate classification.
Comment: This variant is classified as likely benign based on ACMG/AMP sequence variant interpretation guidelines (Richards et al. 2015 PMID: 25741868, with internal and published modifications).

Clinical Genetics DNA and cytogenetics Diagnostics Lab, Erasmus MC, Erasmus Medical Center
Classification: Likely benign. Review status: no assertion criteria provided. Collection method: clinical testing. Allele origin: germline. Affected: yes. Study: VKGL Data-share Consensus. Not counted in ClinVar's aggregate classification.

Clinical Genetics, Academic Medical Center
Classification: Likely benign. Review status: no assertion criteria provided. Collection method: clinical testing. Allele origin: germline. Affected: yes. Study: VKGL Data-share Consensus. Not counted in ClinVar's aggregate classification.